The following is an entry in ClinVar:

NM_002292.4(LAMB2):c.386-11_393del

Gene: LAMB2 (laminin subunit beta 2; minus strand). Cytogenetic location: 3p21.31.
Variant type: Deletion.
Coding change: c.386-11_393del on transcript NM_002292.4 (MANE Select); 11 bases into the intron before coding-DNA position 386 through coding-DNA position 393, 19 bases deleted (TCCTGTCCCAGGTATCCCT).
Molecular consequence: splice acceptor variant.
Genome position (GRCh38, 1-based): chr3:49,132,182-49,132,200, AGGGATACCTGGGACAGGA deleted on the plus strand (TCCTGTCCCAGGTATCCCT on the coding strand, the reverse complement: LAMB2 is on the minus strand); deleting any 19 consecutive bases within chr3:49,132,182-49,132,201 gives the same sequence; the c. name uses the placement nearest the transcript's 3' end. VCF-style (leftmost placement, unchanged base first): chr3-49132181-CAGGGATACCTGGGACAGGA-C. GRCh37 (hg19) VCF-style: chr3-49169614-CAGGGATACCTGGGACAGGA-C.
Identifiers: ClinVar variation 2937611 (VCV002937611.3), dbSNP rs1440884580, ClinGen allele CA543048931.

ClinVar aggregate classification (germline): Likely pathogenic (1 of 4 stars; one submission).

Conditions:
LAMB2-related infantile-onset nephrotic syndrome. Also called: NEPHROTIC SYNDROME, TYPE 5, WITHOUT OCULAR ABNORMALITIES; NEPHROTIC SYNDROME, TYPE 5, WITH OCULAR ABNORMALITIES; Nephrotic Syndrome, type 5. Identifiers: Orphanet 306507, MedGen C3280113, MONDO:0013621, OMIM 614199.
Pierson syndrome. Also called: MICROCORIA-CONGENITAL NEPHROTIC SYNDROME. Identifiers: Orphanet 2670, MedGen C1836876, MONDO:0012184, OMIM 609049.

Submission:

Labcorp Genetics (formerly Invitae), Labcorp
Classification: Likely pathogenic for LAMB2-related infantile-onset nephrotic syndrome; Pierson syndrome. Last evaluated: 2023-05-15. Review status: criteria provided, single submitter. Criteria: Invitae Variant Classification Sherloc (09022015). Collection method: clinical testing. Allele origin: germline.
Comment: In summary, the currently available evidence indicates that the variant is pathogenic, but additional data are needed to prove that conclusively. Therefore, this variant has been classified as Likely Pathogenic. Algorithms developed to predict the effect of sequence changes on RNA splicing suggest that this variant may disrupt the consensus splice site. This variant has not been reported in the literature in individuals affected with LAMB2-related conditions. This variant is present in population databases (no rsID available, gnomAD 0.007%). This variant results in the deletion of part of exon 4 (c.386-11_393del) of the LAMB2 gene. It is expected to disrupt RNA splicing. Variants that disrupt the donor or acceptor splice site typically lead to a loss of protein function (PMID: 16199547), and loss-of-function variants in LAMB2 are known to be pathogenic (PMID: 15367484).

Literature cited by the submitters: PubMed 16199547; PubMed 15367484.